The following is an entry in ClinVar:

ClinVar aggregate classification (germline): Uncertain significance (1 of 4 stars; one submission).

Submission:

CeGaT Center for Human Genetics Tuebingen
Classification: Uncertain significance. Last evaluated: 2026-02-01. Review status: criteria provided, single submitter. Criteria: CeGaT Center For Human Genetics Tuebingen Variant Classification Criteria Version 2. Collection method: clinical testing. Allele origin: germline. Affected: yes. Observed: 1 variant allele.
Comment: ABCB7: PM2

NM_001271696.3(ABCB7):c.1885G>T (p.Val629Phe)

Gene: ABCB7 (ATP binding cassette subfamily B member 7; minus strand). Cytogenetic location: Xq13.3.
Variant type: single nucleotide variant.
Coding change: c.1885G>T on transcript NM_001271696.3 (MANE Select); coding-DNA position 1885, G replaced by T.
Protein change: p.Val629Phe; replaces valine 629 with phenylalanine.
Molecular consequence: missense variant.
Genome position (GRCh38, 1-based): chrX:75,062,378, C>A on the plus strand (G>T on the coding strand, the complement: ABCB7 is on the minus strand). VCF-style: chrX-75062378-C-A. GRCh37 (hg19) VCF-style: chrX-74282213-C-A.
Other names: c.1765G>T, p.Val589Phe (NM_001271697.3); c.1807G>T, p.Val603Phe (NM_001271698.3); c.1768G>T, p.Val590Phe (NM_001271699.3); c.1888G>T, p.Val630Phe (NM_004299.6); short protein forms V589F, V590F, V603F, V629F, V630F.
Identifiers: ClinVar variation 4823508 (VCV004823508.4).
Genomic context (GRCh38, chrX:75,062,378, plus strand): 5'-CATAACTTACCTCTTCAGTAATCGAATCTAACGATGAAGTAGCTTCATCATAGAGTATGA[C>A]TGGGGGGTCCTTCAAAATGGCTCTTGCAATTGCTACTCTTTGCTTTTCTCCTCCTGGTAA-3'
Protein context (NP_001258625.1, residues 619-639): IARAILKDPP[Val629Phe]ILYDEATSSL